The following is an entry in ClinVar:

NM_001080477.4(TENM3):c.7687C>T (p.Arg2563Trp)

Gene: TENM3 (teneurin transmembrane protein 3; plus strand). Cytogenetic location: 4q35.1.
Variant type: single nucleotide variant.
Coding change: c.7687C>T on transcript NM_001080477.4 (MANE Select); coding-DNA position 7687, C replaced by T.
Protein change: p.Arg2563Trp; replaces arginine 2563 with tryptophan.
Molecular consequence: missense variant.
Genome position (GRCh38, 1-based): chr4:182,799,938, C>T. VCF-style: chr4-182799938-C-T. GRCh37 (hg19) VCF-style: chr4-183721091-C-T.
Other names: short protein forms R2563W.
Identifiers: ClinVar variation 487482 (VCV000487482.2), dbSNP rs755000701, ClinGen allele CA3148985.
Genomic context (GRCh38, chr4:182,799,938, plus strand): 5'-GGCAAGGACACGCACTACTTCATCAAGACCACCACGCCCGAGAGCGACCTGGGCACGCTG[C>T]GGTTGACCAGCGGCCGCAAGGCGCTGGAGAACGGCATCAACGTGACGGTGTCGCAGTCCA-3'
Protein context (NP_001073946.1, residues 2553-2573): TTPESDLGTL[Arg2563Trp]LTSGRKALEN

ClinVar aggregate classification (germline): Likely pathogenic. Review status: criteria provided, single submitter (1 of 4 stars). 2 submissions from 2 submitters: Likely pathogenic (1). 1 of the submissions does not count toward it.

Conditions:
MICROPHTHALMIA, SYNDROMIC 15. Identifiers: MedGen C5193017, OMIM 615145.
Microphthalmia, isolated, with coloboma 9 (MCOPCB9). Identifiers: Orphanet 98938, MedGen C3554592, MONDO:0014059, OMIM 615145.

Allele frequency attached by ClinVar (database versions not stated): gnomAD exomes 0.00001; TOPMed 0.00002; gnomAD 0.00001; ExAC below 0.00001.
gnomAD v4.1: 23 of 1,597,470 alleles (0.0014%); highest among the groups gnomAD compares: South Asian, 0.0034%; no homozygotes.

Submissions (2):

Department of Medical Genetics, Sanjay Gandhi Post Graduate Institute of Medical Sciences
Classification: Likely pathogenic for Microphthalmia, isolated, with coloboma 9. Review status: criteria provided, single submitter. Criteria: ACMG Guidelines, 2015. Collection method: clinical testing. Allele origin: de novo. Inheritance: Autosomal recessive inheritance. Affected: yes. Observed: 1 variant allele, 1 compound heterozygote.
Comment: This missense variant [c.7687C>T (p.Arg2563Trp)] is found to be compound heterozygous with another variant [c.4046C>G (p.Ala1349Gly)] in TENM3 gene. These variations are not reported in the 1000 Genomes database and are predicted to be damaging by SIFT and PolyPhen. The region is conserved across species.

OMIM
Classification: Pathogenic for MICROPHTHALMIA, SYNDROMIC 15. Last evaluated: 2019-07-29. Review status: no assertion criteria provided. Collection method: literature only. Allele origin: germline. Not counted in ClinVar's aggregate classification.

Literature cited by the submitters: PubMed 29753094 (cited by Department of Medical Genetics, Sanjay Gandhi Post Graduate Institute of Medical Sciences and OMIM).